The following is an entry in ClinVar:

ClinVar aggregate classification (germline): Uncertain significance (1 of 4 stars; one submission).

Submission:

Ambry Genetics
Classification: Uncertain significance. Last evaluated: 2025-03-10. Review status: criteria provided, single submitter. Criteria: Ambry Variant Classification Scheme 2023. Collection method: clinical testing. Allele origin: germline.
Comment: The p.V1607L variant (also known as c.4819G>C), located in coding exon 19 of the WNK2 gene, results from a G to C substitution at nucleotide position 4819. The valine at codon 1607 is replaced by leucine, an amino acid with highly similar properties. This amino acid position is conserved. In addition, this alteration is predicted to be tolerated by in silico analysis. Based on the available evidence, the clinical significance of this variant remains unclear.

NM_006648.4(WNK2):c.4819G>C (p.Val1607Leu)

Gene: WNK2 (WNK lysine deficient protein kinase 2; plus strand). Cytogenetic location: 9q22.31.
Variant type: single nucleotide variant.
Coding change: c.4819G>C on transcript NM_006648.4 (MANE Select); coding-DNA position 4819, G replaced by C.
Protein change: p.Val1607Leu; replaces valine 1607 with leucine.
Molecular consequence: missense variant.
Genome position (GRCh38, 1-based): chr9:93,289,573, G>C. VCF-style: chr9-93289573-G-C. GRCh37 (hg19) VCF-style: chr9-96051855-G-C.
Other names: c.4930G>C, p.Val1644Leu (NM_001282394.3); short protein forms V1644L, V1607L.
Identifiers: ClinVar variation 3817263 (VCV003817263.1).